The following is an entry in ClinVar:

NM_014339.7(IL17RA):c.2409G>C (p.Gln803His)

Gene: IL17RA (interleukin 17 receptor A; plus strand). Cytogenetic location: 22q11.1.
Variant type: single nucleotide variant.
Coding change: c.2409G>C on transcript NM_014339.7 (MANE Select); coding-DNA position 2409, G replaced by C.
Protein change: p.Gln803His; replaces glutamine 803 with histidine.
Molecular consequence: missense variant.
Genome position (GRCh38, 1-based): chr22:17,109,628, G>C. VCF-style: chr22-17109628-G-C. GRCh37 (hg19) VCF-style: chr22-17590518-G-C.
Other names: c.2307G>C, p.Gln769His (NM_001289905.2); short protein forms Q769H, Q803H.
Identifiers: ClinVar variation 848391 (VCV000848391.9), dbSNP rs1365038211, ClinGen allele CA410222136.

ClinVar aggregate classification (germline): Uncertain significance (1 of 4 stars; one submission).

Conditions:
Immunodeficiency 51 (IMD51). Also called: CANDIDIASIS, FAMILIAL, 5. Identifiers: Orphanet 1334, MedGen C4310803, MONDO:0013500, OMIM 613953.

Submission:

Labcorp Genetics (formerly Invitae), Labcorp
Classification: Uncertain significance for Immunodeficiency 51. Last evaluated: 2024-12-16. Review status: criteria provided, single submitter. Criteria: Invitae Variant Classification Sherloc (09022015). Collection method: clinical testing. Allele origin: germline.
Comment: This sequence change replaces glutamine, which is neutral and polar, with histidine, which is basic and polar, at codon 803 of the IL17RA protein (p.Gln803His). This variant is not present in population databases (gnomAD no frequency). This variant has not been reported in the literature in individuals affected with IL17RA-related conditions. ClinVar contains an entry for this variant (Variation ID: 848391). An algorithm developed to predict the effect of missense changes on protein structure and function (PolyPhen-2) suggests that this variant is likely to be disruptive. In summary, the available evidence is currently insufficient to determine the role of this variant in disease. Therefore, it has been classified as a Variant of Uncertain Significance.